The following is an entry in ClinVar:

NM_001127644.2(GABRA1):c.429C>A (p.Asn143Lys)

Gene: GABRA1 (gamma-aminobutyric acid type A receptor subunit alpha1; plus strand). Cytogenetic location: 5q34.
Variant type: single nucleotide variant.
Coding change: c.429C>A on transcript NM_001127644.2 (MANE Select); coding-DNA position 429, C replaced by A.
Protein change: p.Asn143Lys; replaces asparagine 143 with lysine.
Molecular consequence: missense variant.
Genome position (GRCh38, 1-based): chr5:161,873,290, C>A. VCF-style: chr5-161873290-C-A. GRCh37 (hg19) VCF-style: chr5-161300296-C-A.
Other names: c.429C>A, p.Asn143Lys (NM_000806.5, NM_001127643.2, NM_001127645.2 and 1 more transcripts); short protein forms N143K.
Identifiers: ClinVar variation 2922379 (VCV002922379.3), dbSNP rs772653297, ClinGen allele CA362179064.

ClinVar aggregate classification (germline): Uncertain significance (1 of 4 stars; one submission).

Conditions:
Epilepsy, childhood absence 4 (ECA4). Also called: EPILEPSY, CHILDHOOD ABSENCE, SUSCEPTIBILITY TO, 4. Identifiers: Orphanet 307, MedGen C1970160.
Idiopathic generalized epilepsy. Also called: Generalised epilepsy; EIG. Identifiers: MedGen C0270850, MONDO:0005579, OMIM 600669.
Epilepsy, idiopathic generalized, susceptibility to, 13. Also called: EPILEPSY, JUVENILE MYOCLONIC, SUSCEPTIBILITY TO, 5. Identifiers: Orphanet 307, Orphanet 64280, MedGen C4013473, MONDO:0012627, OMIM 611136.

Submission:

Labcorp Genetics (formerly Invitae), Labcorp
Classification: Uncertain significance for Epilepsy, childhood absence 4; Epilepsy, idiopathic generalized, susceptibility to, 13; Idiopathic generalized epilepsy. Last evaluated: 2025-03-16. Review status: criteria provided, single submitter. Criteria: Invitae Variant Classification Sherloc (09022015). Collection method: clinical testing. Allele origin: germline.
Comment: This sequence change replaces asparagine, which is neutral and polar, with lysine, which is basic and polar, at codon 143 of the GABRA1 protein (p.Asn143Lys). This variant is not present in population databases (gnomAD no frequency). This variant has not been reported in the literature in individuals affected with GABRA1-related conditions. ClinVar contains an entry for this variant (Variation ID: 2922379). Invitae Evidence Modeling of protein sequence and biophysical properties (such as structural, functional, and spatial information, amino acid conservation, physicochemical variation, residue mobility, and thermodynamic stability) indicates that this missense variant is expected to disrupt GABRA1 protein function with a positive predictive value of 80%. In summary, the available evidence is currently insufficient to determine the role of this variant in disease. Therefore, it has been classified as a Variant of Uncertain Significance.